The following is an entry in ClinVar:

ClinVar aggregate classification (germline): Likely benign (1 of 4 stars; one submission).

Allele frequency attached by ClinVar (database versions not stated): 1000 Genomes Project 30x 0.00484; 1000 Genomes Project 0.00499; TOPMed 0.00964; gnomAD 0.01035.
gnomAD v4.1: 1,570 of 152,264 alleles (1%); highest among the groups gnomAD compares: Middle Eastern, 2.4%; 10 homozygotes.

Submission:

GeneDx
Classification: Likely benign. Last evaluated: 2018-06-19. Review status: criteria provided, single submitter. Criteria: GeneDx Variant Classification (06012015). Collection method: clinical testing. Allele origin: germline. Affected: yes.
Comment: This variant is considered likely benign or benign based on one or more of the following criteria: it is a conservative change, it occurs at a poorly conserved position in the protein, it is predicted to be benign by multiple in silico algorithms, and/or has population frequency not consistent with disease.

NM_182961.4(SYNE1):c.7557-287G>A

Gene: SYNE1 (spectrin repeat containing nuclear envelope protein 1; minus strand). Cytogenetic location: 6q25.2.
Variant type: single nucleotide variant.
Coding change: c.7557-287G>A on transcript NM_182961.4 (MANE Select); 287 bases into the intron before coding-DNA position 7557, G replaced by A.
Molecular consequence: intron variant.
Genome position (GRCh38, 1-based): chr6:152,395,958, C>T on the plus strand (G>A on the coding strand, the complement: SYNE1 is on the minus strand). VCF-style: chr6-152395958-C-T. GRCh37 (hg19) VCF-style: chr6-152717093-C-T.
Other names: c.7578-287G>A (NM_033071.5).
Identifiers: ClinVar variation 674142 (VCV000674142.1), dbSNP rs77945565, ClinGen allele CA150194241.